The following is an entry in ClinVar:

NM_001367624.2(ZNF469):c.7679A>T (p.Glu2560Val)

Gene: ZNF469 (zinc finger protein 469; plus strand). Cytogenetic location: 16q24.2.
Variant type: single nucleotide variant.
Coding change: c.7679A>T on transcript NM_001367624.2 (MANE Select); coding-DNA position 7679, A replaced by T.
Protein change: p.Glu2560Val; replaces glutamic acid 2560 with valine.
Molecular consequence: missense variant.
Genome position (GRCh38, 1-based): chr16:88,435,149, A>T. VCF-style: chr16-88435149-A-T. GRCh37 (hg19) VCF-style: chr16-88501557-A-T.
Other names: NM_001127464.1:c.7595A>T; short protein forms E2560V.
Identifiers: ClinVar variation 5032209 (VCV005032209.1).

ClinVar aggregate classification (germline): Uncertain significance (1 of 4 stars; one submission).

Conditions:
Cardiovascular phenotype. Identifiers: MedGen CN230736.

Submission:

Ambry Genetics
Classification: Uncertain significance for Cardiovascular phenotype. Last evaluated: 2026-06-27. Review status: criteria provided, single submitter. Criteria: Ambry Variant Classification Scheme 2023. Collection method: clinical testing. Allele origin: germline.
Comment: The p.E2532V variant (also known as c.7595A>T), located in coding exon 2 of the ZNF469 gene, results from an A to T substitution at nucleotide position 7595. The glutamic acid at codon 2532 is replaced by valine, an amino acid with dissimilar properties. This amino acid position is conserved. In addition, this alteration is predicted to be tolerated by in silico analysis. Based on the available evidence, the clinical significance of this variant remains unclear.